The following is an entry in ClinVar:

NM_005529.7(HSPG2):c.12584G>A (p.Gly4195Asp)

Gene: HSPG2 (heparan sulfate proteoglycan 2; minus strand). Cytogenetic location: 1p36.12.
Variant type: single nucleotide variant.
Coding change: c.12584G>A on transcript NM_005529.7 (MANE Select); coding-DNA position 12584, G replaced by A.
Protein change: p.Gly4195Asp; replaces glycine 4195 with aspartic acid.
Molecular consequence: missense variant.
Genome position (GRCh38, 1-based): chr1:21,827,868, C>T on the plus strand (G>A on the coding strand, the complement: HSPG2 is on the minus strand). VCF-style: chr1-21827868-C-T. GRCh37 (hg19) VCF-style: chr1-22154361-C-T.
Other names: c.12587G>A, p.Gly4196Asp (NM_001291860.2); short protein forms G4196D, G4195D.
Identifiers: ClinVar variation 2101199 (VCV002101199.4), dbSNP rs2550599217, ClinGen allele CA338899088.
Genomic context (GRCh38, chr1:21,827,868, plus strand): 5'-AACTGGAAGAGTGAGCTGAGCTGAAGCTGGGGAGGAGGCCATGGCAAGTACTCACCATTG[C>T]CCCCGCTGCCTTCAAGATGCCAGTCGGACTCTGCTATGCCATGTCCAGAGCCTATGGAGA-3'
Protein context (NP_005520.4, residues 4185-4205): ESDWHLEGSG[Gly4195Asp]NDAPGQYGAY

ClinVar aggregate classification (germline): Uncertain significance (1 of 4 stars; one submission).

Submission:

Labcorp Genetics (formerly Invitae), Labcorp
Classification: Uncertain significance. Last evaluated: 2024-10-28. Review status: criteria provided, single submitter. Criteria: Invitae Variant Classification Sherloc (09022015). Collection method: clinical testing. Allele origin: germline.
Comment: This sequence change replaces glycine, which is neutral and non-polar, with aspartic acid, which is acidic and polar, at codon 4195 of the HSPG2 protein (p.Gly4195Asp). This variant is not present in population databases (gnomAD no frequency). This variant has not been reported in the literature in individuals affected with HSPG2-related conditions. ClinVar contains an entry for this variant (Variation ID: 2101199). An algorithm developed to predict the effect of missense changes on protein structure and function (PolyPhen-2) suggests that this variant is likely to be disruptive. In summary, the available evidence is currently insufficient to determine the role of this variant in disease. Therefore, it has been classified as a Variant of Uncertain Significance.